The following is an entry in ClinVar:

ClinVar aggregate classification (germline): Pathogenic. Review status: criteria provided, multiple submitters, no conflicts (2 of 4 stars). 2 submissions from 2 submitters: Pathogenic (2). Last evaluated 2026-06-24.

Conditions:
Fliedner-Zweier syndrome (FZS). Identifiers: MedGen C5882693, MONDO:0957787, OMIM 620511.

Allele frequency attached by ClinVar (database versions not stated): TOPMed below 0.00001.

Submissions (2):

GeneDx
Classification: Pathogenic. Last evaluated: 2026-06-24. Review status: criteria provided, single submitter. Criteria: GeneDx Variant Classification Process June 2021. Collection method: clinical testing. Allele origin: germline.
Comment: Nonsense variant predicted to result in protein truncation or nonsense mediated decay in a gene for which loss of function is a known mechanism of disease; Not observed at significant frequency in large population cohorts (gnomAD); This variant is associated with the following publications: (PMID: 32730804, 42028696)

3billion
Classification: Pathogenic for Fliedner-Zweier syndrome. Last evaluated: 2025-10-24. Review status: criteria provided, single submitter. Criteria: ACMG Guidelines, 2015. Collection method: clinical testing. Allele origin: germline. Affected: yes.
Comment: The variant is not observed in the gnomAD v4.1.0 dataset. Predicted Consequence/Location: Stop-gained (nonsense): predicted to result in a loss or disruption of normal protein function through nonsense-mediated decay (NMD) or protein truncation. Multiple pathogenic variants are reported downstream of the variant. The variant has been previously reported as de novo in a similarly affected individual (PMID: 32730804). The variant has been reported to be associated with SCAF4-related disorder (ClinVar ID: VCV003253288 /PMID: 32730804). Therefore, this variant is classified as Pathogenic according to the recommendation of ACMG/AMP guideline.

Literature cited by the submitters: PubMed 32730804 (cited by 3billion).

NM_020706.2(SCAF4):c.1423C>T (p.Arg475Ter)

Gene: SCAF4 (SR-related CTD associated factor 4; minus strand). Cytogenetic location: 21q22.11.
Variant type: single nucleotide variant.
Coding change: c.1423C>T on transcript NM_020706.2 (MANE Select); coding-DNA position 1423, C replaced by T.
Protein change: p.Arg475Ter; replaces arginine 475 with a stop codon.
Molecular consequence: nonsense.
Genome position (GRCh38, 1-based): chr21:31,693,384, G>A on the plus strand (C>T on the coding strand, the complement: SCAF4 is on the minus strand). VCF-style: chr21-31693384-G-A. GRCh37 (hg19) VCF-style: chr21-33065697-G-A.
Other names: c.1378C>T, p.Arg460Ter (NM_001145444.1); c.1423C>T, p.Arg475Ter (NM_001145445.1); short protein forms R460*, R475*.
Identifiers: ClinVar variation 3253288 (VCV003253288.3), dbSNP rs2050305726.